The following is an entry in ClinVar:

NM_002354.3(EPCAM):c.911A>T (p.Glu304Val)

Gene: EPCAM (epithelial cell adhesion molecule; plus strand). Cytogenetic location: 2p21.
Variant type: single nucleotide variant.
Coding change: c.911A>T on transcript NM_002354.3 (MANE Select); coding-DNA position 911, A replaced by T.
Protein change: p.Glu304Val; replaces glutamic acid 304 with valine.
Molecular consequence: missense variant.
Genome position (GRCh38, 1-based): chr2:47,386,579, A>T. VCF-style: chr2-47386579-A-T. GRCh37 (hg19) VCF-style: chr2-47613718-A-T.
Other names: short protein forms E304V.
Identifiers: ClinVar variation 1765865 (VCV001765865.3), dbSNP rs1671747703, ClinGen allele CA346725933.

ClinVar aggregate classification (germline): Uncertain significance (1 of 4 stars; one submission).

Conditions:
Hereditary cancer-predisposing syndrome. Also called: Neoplastic Syndromes, Hereditary; Tumor predisposition; Hereditary Cancer Syndrome; Hereditary neoplastic syndrome. Identifiers: Orphanet 140162, MedGen C0027672, MeSH D009386, MONDO:0015356.

Allele frequency attached by ClinVar (database versions not stated): TOPMed below 0.00001; gnomAD 0.00001.

Submission:

Ambry Genetics
Classification: Uncertain significance for Hereditary cancer-predisposing syndrome. Last evaluated: 2024-11-18. Review status: criteria provided, single submitter. Criteria: Ambry Variant Classification Scheme 2023. Collection method: clinical testing. Allele origin: germline.
Comment: The p.E304V variant (also known as c.911A>T), located in coding exon 9 of the EPCAM gene, results from an A to T substitution at nucleotide position 911. The glutamic acid at codon 304 is replaced by valine, an amino acid with dissimilar properties. This amino acid position is conserved. In addition, the in silico prediction for this alteration is inconclusive. Since supporting evidence is limited at this time, the clinical significance of this alteration remains unclear.